The following is an entry in ClinVar:

NM_006907.4(PYCR1):c.292G>A (p.Gly98Ser)

Gene: PYCR1 (pyrroline-5-carboxylate reductase 1; minus strand). Cytogenetic location: 17q25.3.
Variant type: single nucleotide variant.
Coding change: c.292G>A on transcript NM_006907.4 (MANE Select); coding-DNA position 292, G replaced by A.
Protein change: p.Gly98Ser; replaces glycine 98 with serine.
Molecular consequence: missense variant.
Genome position (GRCh38, 1-based): chr17:81,935,363, C>T on the plus strand (G>A on the coding strand, the complement: PYCR1 is on the minus strand). VCF-style: chr17-81935363-C-T. GRCh37 (hg19) VCF-style: chr17-79893239-C-T.
Other names: c.292G>A, p.Gly98Ser (NM_001282279.2, NM_001282280.2, NM_001330523.2 and 1 more transcripts); c.373G>A, p.Gly125Ser (NM_001282281.2); short protein forms G98S, G125S.
Identifiers: ClinVar variation 3688206 (VCV003688206.1).
Genomic context (GRCh38, chr17:81,935,363, plus strand): 5'-CCCTCTCCACACCCCACTGGGCCTGCGGTGCTACCTTCTCAATGGAGCTGATGGTGACGC[C>T]GGCCGCGCAGGACACCACAATGTGTCTGTCCTCAATGTCGGCGCCTATTTCATCCAGGAT-3'
Protein context (NP_008838.2, residues 88-108): DRHIVVSCAA[Gly98Ser]VTISSIEKKL

ClinVar aggregate classification (germline): Uncertain significance (1 of 4 stars; one submission).

Submission:

Labcorp Genetics (formerly Invitae), Labcorp
Classification: Uncertain significance. Last evaluated: 2024-06-24. Review status: criteria provided, single submitter. Criteria: Invitae Variant Classification Sherloc (09022015). Collection method: clinical testing. Allele origin: germline.
Comment: This sequence change replaces glycine, which is neutral and non-polar, with serine, which is neutral and polar, at codon 98 of the PYCR1 protein (p.Gly98Ser). This variant is not present in population databases (gnomAD no frequency). This variant has not been reported in the literature in individuals affected with PYCR1-related conditions. Advanced modeling of protein sequence and biophysical properties (such as structural, functional, and spatial information, amino acid conservation, physicochemical variation, residue mobility, and thermodynamic stability) performed at Invitae indicates that this missense variant is not expected to disrupt PYCR1 protein function with a negative predictive value of 80%. In summary, the available evidence is currently insufficient to determine the role of this variant in disease. Therefore, it has been classified as a Variant of Uncertain Significance.